The following is an entry in ClinVar:

NM_033056.4(PCDH15):c.4550C>T (p.Ser1517Phe)

Gene: PCDH15 (protocadherin related 15; minus strand). Cytogenetic location: 10q21.1.
Variant type: single nucleotide variant.
Coding change: c.4550C>T on transcript NM_033056.4 (MANE Plus Clinical); coding-DNA position 4550, C replaced by T.
Protein change: p.Ser1517Phe; replaces serine 1517 with phenylalanine.
Molecular consequence: missense variant. On other transcripts: intron variant (8).
Genome position (GRCh38, 1-based): chr10:53,823,176, G>A on the plus strand (C>T on the coding strand, the complement: PCDH15 is on the minus strand). VCF-style: chr10-53823176-G-A. GRCh37 (hg19) VCF-style: chr10-55582936-G-A.
Other names: c.4571C>T, p.Ser1524Phe (NM_001142763.2); c.4556C>T, p.Ser1519Phe (NM_001142764.2); c.4343C>T, p.Ser1448Phe (NM_001142765.2); c.4541C>T, p.Ser1514Phe (NM_001142766.2); c.4430C>T, p.Ser1477Phe (NM_001142767.2); c.4490C>T, p.Ser1497Phe (NM_001142768.2); c.4481C>T, p.Ser1494Phe (NM_001142773.2); c.4484C>T, p.Ser1495Phe (NM_001354404.2); and 6 more; short protein forms S1494F, S1495F, S1497F, S1514F, S1524F, S1448F, S1519F, S1477F.
Identifiers: ClinVar variation 1980183 (VCV001980183.1), dbSNP rs759303089, ClinGen allele CA207220864.

ClinVar aggregate classification (germline): Uncertain significance (1 of 4 stars; one submission).

Submission:

Labcorp Genetics (formerly Invitae), Labcorp
Classification: Uncertain significance. Last evaluated: 2022-05-22. Review status: criteria provided, single submitter. Criteria: Invitae Variant Classification Sherloc (09022015). Collection method: clinical testing. Allele origin: germline.
Comment: This sequence change replaces serine, which is neutral and polar, with phenylalanine, which is neutral and non-polar, at codon 1517 of the PCDH15 protein (p.Ser1517Phe). This variant is not present in population databases (gnomAD no frequency). This variant has not been reported in the literature in individuals affected with PCDH15-related conditions. Algorithms developed to predict the effect of missense changes on protein structure and function are either unavailable or do not agree on the potential impact of this missense change (SIFT: "Deleterious"; PolyPhen-2: "Benign"; Align-GVGD: "Class C15"). In summary, the available evidence is currently insufficient to determine the role of this variant in disease. Therefore, it has been classified as a Variant of Uncertain Significance.